The following is an entry in ClinVar:

NM_004360.5(CDH1):c.866C>T (p.Ala289Val)

Gene: CDH1 (cadherin 1; plus strand). Cytogenetic location: 16q22.1.
Variant type: single nucleotide variant.
Coding change: c.866C>T on transcript NM_004360.5 (MANE Select); coding-DNA position 866, C replaced by T.
Protein change: p.Ala289Val; replaces alanine 289 with valine.
Molecular consequence: missense variant. On other transcripts: 5 prime UTR variant (2).
Genome position (GRCh38, 1-based): chr16:68,811,717, C>T. VCF-style: chr16-68811717-C-T. GRCh37 (hg19) VCF-style: chr16-68845620-C-T.
Other names: NM_004360.5(CDH1):c.866C>T; p.Ala289Val; c.866C>T (LRG_301t1, NM_004360.4); c.866C>T, p.Ala289Val (NM_001317184.2); c.-750C>T (NM_001317185.2); c.-954C>T (NM_001317186.2); short protein forms A289V.
Identifiers: ClinVar variation 216597 (VCV000216597.23), dbSNP rs780399325, ClinGen allele CA336712.
Genomic context (GRCh38, chr16:68,811,717, plus strand): 5'-AACCTTCATCTCCTTGAACTCTTCCAGGAACCTCTGTGATGGAGGTCACAGCCACAGACG[C>T]GGACGATGATGTGAACACCTACAATGCCGCCATCGCTTACACCATCCTCAGCCAAGATCC-3'
Protein context (NP_004351.1, residues 279-299): TSVMEVTATD[Ala289Val]DDDVNTYNAA

ClinVar aggregate classification (germline): Likely benign. Review status: reviewed by expert panel (3 of 4 stars). 8 submissions from 8 submitters: Likely benign (1). 7 of the submissions do not count toward it. Last evaluated 2023-08-17.

Conditions:
CDH1-related diffuse gastric and lobular breast cancer syndrome. Also called: CDH1-related diffuse gastric and lobular breast cancer. Identifiers: MedGen CN311521, MONDO:0100488.
Hereditary cancer-predisposing syndrome. Also called: Tumor predisposition; Hereditary Cancer Syndrome; Neoplastic Syndromes, Hereditary; Hereditary neoplastic syndrome. Identifiers: Orphanet 140162, MedGen C0027672, MeSH D009386, MONDO:0015356.
Hereditary diffuse gastric adenocarcinoma (HDGC). Also called: DIFFUSE GASTRIC AND LOBULAR BREAST CANCER SYNDROME. Identifiers: Orphanet 26106, MedGen C1708349, MONDO:0007648, OMIM 137215.

Allele frequency attached by ClinVar (database versions not stated): gnomAD exomes 0.00001 and 0.00002; ExAC 0.00003.
gnomAD v4.1: 16 of 1,614,038 alleles (0.00099%); highest among the groups gnomAD compares: East Asian, 0.0045%; no homozygotes.

Submissions (8):

Clingen Gastric Cancer Variant Curation Expert Panel
Classification: Likely benign for CDH1-related diffuse gastric and lobular breast cancer syndrome. Last evaluated: 2023-08-17. Review status: reviewed by expert panel. Criteria: ClinGen CDH1 ACMG Specifications V3.1. Collection method: curation. Allele origin: germline. Inheritance: Autosomal dominant inheritance.
Comment: The c.866C>T (p.Ala289Val) missense variant has a frequency of 0.00002 (6 of 251,472) in gnomAD, with a maximum allele frequency of 0.00010 (3 of 30,616) in the South Asian subpopulation. This variant has been observed in at least 10 individuals without DGC, SRC tumours or LBC and whose families do not suggest HDGC (BS2; SCV000669016.2, SCV000254833.6). In summary, the clinical significance of this variant is classified as of likely benign based the ACMG/AMP criteria applied, as specified by the CDH1 Variant Curation Expert Panel (Variant Interpretation Guidelines Version 3.1): BS2.

Labcorp Genetics (formerly Invitae), Labcorp
Classification: Uncertain significance for Hereditary diffuse gastric adenocarcinoma. Last evaluated: 2025-10-17. Review status: criteria provided, single submitter. Criteria: Invitae Variant Classification Sherloc (09022015). Collection method: clinical testing. Allele origin: germline. Not counted in ClinVar's aggregate classification.
Comment: This sequence change replaces alanine, which is neutral and non-polar, with valine, which is neutral and non-polar, at codon 289 of the CDH1 protein (p.Ala289Val). This variant is present in population databases (rs780399325, gnomAD 0.01%). This missense change has been observed in individual(s) with breast cancer (PMID: 30287823). ClinVar contains an entry for this variant (Variation ID: 216597). An algorithm developed to predict the effect of missense changes on protein structure and function (PolyPhen-2) suggests that this variant is likely to be tolerated. In summary, the available evidence is currently insufficient to determine the role of this variant in disease. Therefore, it has been classified as a Variant of Uncertain Significance.

Quest Diagnostics Nichols Institute San Juan Capistrano
Classification: Uncertain significance. Last evaluated: 2025-04-29. Review status: criteria provided, single submitter. Criteria: Quest Diagnostics criteria. Collection method: clinical testing. Allele origin: unknown. Not counted in ClinVar's aggregate classification.
Comment: The CDH1 c.866C>T (p.Ala289Val) variant has been reported in the published literature in individuals with breast cancer (PMID: 30287823 (2018), 33471991 (2021), see also LOVD), colorectal cancer (PMID: 32175104 (2020), 38887977 (2024)), as well as in reportedly unaffected individuals (PMID: 30287823 (2018), 33471991 (2021), see also LOVD). The frequency of this variant in the general population (Genome Aggregation Database) is higher than would generally be expected for pathogenic variants in this gene. Analysis of this variant using bioinformatics tools for the prediction of the effect of amino acid changes on protein structure and function yielded predictions that this variant is benign. Based on the available information, we are unable to determine the clinical significance of this variant.

Ambry Genetics
Classification: Likely benign for Hereditary cancer-predisposing syndrome. Last evaluated: 2024-04-11. Review status: criteria provided, single submitter. Criteria: Ambry Variant Classification Scheme 2023. Collection method: clinical testing. Allele origin: germline. Not counted in ClinVar's aggregate classification.

Color Diagnostics, LLC DBA Color Health
Classification: Uncertain significance for Hereditary cancer-predisposing syndrome. Last evaluated: 2024-03-26. Review status: criteria provided, single submitter. Criteria: ACMG Guidelines, 2015. Collection method: clinical testing. Allele origin: germline. Not counted in ClinVar's aggregate classification.
Comment: This missense variant replaces alanine with valine at codon 289 of the CDH1 protein. To our knowledge, functional studies have not been reported for this variant. This variant has been reported in an individual affected with colorectal cancer (PMID: 32175104). This variant has also been reported in individuals with a personal or family history of breast cancer (PMID: 30287823, 36436516), as well as healthy individuals (PMID: 30287823). This variant has been identified in 6/251472 chromosomes in the general population by the Genome Aggregation Database (gnomAD). The available evidence is insufficient to determine the role of this variant in disease conclusively. Therefore, this variant is classified as a Variant of Uncertain Significance.

GeneDx
Classification: Uncertain significance. Last evaluated: 2023-12-20. Review status: criteria provided, single submitter. Criteria: GeneDx Variant Classification Process June 2021. Collection method: clinical testing. Allele origin: germline. Affected: yes. Not counted in ClinVar's aggregate classification.
Comment: Observed in individuals with breast cancer (PMID: 36436516, 30287823); In silico analysis supports that this missense variant has a deleterious effect on protein structure/function; This variant is associated with the following publications: (PMID: 30287823, 36243179, 36436516, 15235021, 22850631)

European Reference Network on Genetic Tumour Risk Syndromes (ERN-GENTURIS), i3s - Instituto de Investigação e Inovação em Saúde, University of Porto
Classification: Likely benign for Hereditary diffuse gastric adenocarcinoma. Last evaluated: 2022-08-01. Review status: criteria provided, single submitter. Criteria: Lee et al. (Hum Mutat. 2018). Collection method: clinical testing. Allele origin: germline. Inheritance: Autosomal dominant inheritance. Affected: no. Study: ERN GENTURIS. Not counted in ClinVar's aggregate classification.
Comment: BS2 (PMID: 30311375)

Institute for Clinical Genetics, University Hospital TU Dresden, University Hospital TU Dresden
Classification: Uncertain significance. Last evaluated: 2021-11-03. Review status: criteria provided, single submitter. Criteria: ACMG Guidelines, 2015. Collection method: clinical testing. Allele origin: germline. Not counted in ClinVar's aggregate classification.

Literature cited by the submitters: PubMed 30287823 (cited by 4 submitters); PubMed 32175104 (cited by Quest Diagnostics Nichols Institute San Juan Capistrano and Color Diagnostics, LLC DBA Color Health); PubMed 38887977 (cited by Quest Diagnostics Nichols Institute San Juan Capistrano); PubMed 33471991 (cited by Quest Diagnostics Nichols Institute San Juan Capistrano); PubMed 36436516 (cited by Color Diagnostics, LLC DBA Color Health and European Reference Network on Genetic Tumour Risk Syndromes (ERN-GENTURIS), i3s - Instituto de Investigação e Inovação em Saúde, University of Porto).